The following is an entry in ClinVar:

NM_000156.6(GAMT):c.410A>C (p.Tyr137Ser)

Gene: GAMT (guanidinoacetate N-methyltransferase; minus strand). Cytogenetic location: 19p13.3.
Variant type: single nucleotide variant.
Coding change: c.410A>C on transcript NM_000156.6 (MANE Select); coding-DNA position 410, A replaced by C.
Protein change: p.Tyr137Ser; replaces tyrosine 137 with serine.
Molecular consequence: missense variant.
Genome position (GRCh38, 1-based): chr19:1,399,177, T>G on the plus strand (A>C on the coding strand, the complement: GAMT is on the minus strand). VCF-style: chr19-1399177-T-G. GRCh37 (hg19) VCF-style: chr19-1399176-T-G.
Other names: NM_000156.6(GAMT):c.410A>C; p.Tyr137Ser; c.410A>C, p.Tyr137Ser (NM_138924.3); c.410A>C (NM_000156.5); short protein forms Y137S.
Identifiers: ClinVar variation 430374 (VCV000430374.12), dbSNP rs1131691930, ClinGen allele CA402995333.

ClinVar aggregate classification (germline): Uncertain significance. Review status: reviewed by expert panel (3 of 4 stars). 4 submissions from 4 submitters: Uncertain significance (1). 3 of the submissions do not count toward it. Last evaluated 2025-05-22.

Conditions:
GAMT-related disorder. Also called: GAMT-related condition.
Cerebral creatine deficiency syndrome. Also called: Creatine deficiency syndromes. Identifiers: Orphanet 79172, MedGen C5244016, MONDO:0000456.
Deficiency of guanidinoacetate methyltransferase (CCDS2). Also called: CEREBRAL CREATINE DEFICIENCY SYNDROME 2; GAMT DEFICIENCY; Guanidinoacetate Methyltransferase (GAMT) Deficiency. Identifiers: Orphanet 382, MedGen C0574080, MONDO:0012999, OMIM 612736.

Allele frequency attached by ClinVar (database versions not stated): gnomAD exomes below 0.00001; gnomAD 0.00001; TOPMed 0.00002.
gnomAD v4.1: 4 of 1,613,322 alleles (0.00025%); highest among the groups gnomAD compares: African/African-American, 0.0013%; no homozygotes.

Submissions (4):

ClinGen Cerebral Creatine Deficiency Syndromes Variant Curation Expert Panel, ClinGen
Classification: Uncertain significance for Deficiency of guanidinoacetate methyltransferase. Last evaluated: 2025-05-22. Review status: reviewed by expert panel. Criteria: ClinGen CCDS ACMG Specifications GAMT V2.0.0. Collection method: curation. Allele origin: germline. Inheritance: Autosomal recessive inheritance.
Comment: The NM_000156.6:c.410A>C variant in GAMT is a missense variant that is predicted to result in the substitution of tyrosine by serine at amino acid 137 (p.Tyr137Ser). The highest population minor allele frequency in gnomAD v4.1.0. is 0.00001336 (1/74840) alleles) in the African/African American population, which is lower than the ClinGen CCDS VCEP’s threshold for PM2_Supporting (<0.0004), meeting this criterion (PM2_Supporting). The computational predictor REVEL gives a score of 0.8 which is in the range of 0.773-0.932, evidence that correlates with impact to IDUA function at the moderate level based on the specifications of the ClinGen CCDS VCEP (PMID: 36413997) (PP3_Moderate). To our knowledge, this variant has not been reported in an individual with GAMT deficiency in the published literature and the result of functional studies are not available. However, there is a ClinVar entry for this variant (Variation ID: 430374). This variant has been observed as heterozygous without a second variant in GAMT in at least 3 unrelated children referred for exome based testing with autism and developmental delay SCV000241197.11) (insufficient evidence for PP4 or PM3). In summary, this variant meets the criteria to be classified as a variant of uncertain significance for GAMT deficiency. GAMT-specific ACMG/AMP criteria applied, as specified by the ClinGen CCDS VCEP (Specifications Version 2.0.0): PP3_Moderate, PM2_Supporting (Classification approved by the Cerebral Creatine Deficiency Syndromes Variant Curation Expert Panel on May 22, 2025)

GeneDx
Classification: Likely pathogenic. Last evaluated: 2024-12-13. Review status: criteria provided, single submitter. Criteria: GeneDx Variant Classification Process June 2021. Collection method: clinical testing. Allele origin: germline. Affected: yes. Not counted in ClinVar's aggregate classification.
Comment: Observed with a second GAMT variant in a patient with epileptic encephalopathy, but it is not known whether the variants occurred on the same (in cis) or on different (in trans) chromosomes (PMID: 29655203); Not observed at significant frequency in large population cohorts (gnomAD); In silico analysis supports that this missense variant has a deleterious effect on protein structure/function; This variant is associated with the following publications: (PMID: 29655203)

PreventionGenetics, part of Exact Sciences
Classification: Uncertain significance for GAMT-related condition. Last evaluated: 2024-11-20. Review status: criteria provided, single submitter. Criteria: ACMG Guidelines, 2015. Collection method: clinical testing. Allele origin: germline. Not counted in ClinVar's aggregate classification.
Comment: The GAMT c.410A>C variant is predicted to result in the amino acid substitution p.Tyr137Ser. This variant has been reported in at least one individual from an epilepsy and neurodevelopmental disorders cohort; however, clinical or functional evidence was not provided to further assess the pathogenicity of this variant (Table S4 in Lindy et al. 2018. PubMed ID: 29655203). This variant is reported in 0.012% of alleles in individuals of African descent in gnomAD and has been interpreted as uncertain by an expert curation panel in ClinVar. Although we suspect that this variant may be pathogenic, at this time, the clinical significance of this variant is uncertain due to the absence of conclusive functional and genetic evidence.

Labcorp Genetics (formerly Invitae), Labcorp
Classification: Uncertain significance for Cerebral creatine deficiency syndrome. Last evaluated: 2022-08-23. Review status: criteria provided, single submitter. Criteria: Invitae Variant Classification Sherloc (09022015). Collection method: clinical testing. Allele origin: germline. Not counted in ClinVar's aggregate classification.
Comment: This sequence change replaces tyrosine, which is neutral and polar, with serine, which is neutral and polar, at codon 137 of the GAMT protein (p.Tyr137Ser). The frequency data for this variant in the population databases is considered unreliable, as metrics indicate poor data quality at this position in the gnomAD database. This missense change has been observed in individual(s) with epilepsy and neurodevelopmental disorders (PMID: 29655203). ClinVar contains an entry for this variant (Variation ID: 430374). Algorithms developed to predict the effect of missense changes on protein structure and function are either unavailable or do not agree on the potential impact of this missense change (SIFT: "Tolerated"; PolyPhen-2: "Probably Damaging"; Align-GVGD: "Class C0"). In summary, the available evidence is currently insufficient to determine the role of this variant in disease. Therefore, it has been classified as a Variant of Uncertain Significance.

Literature cited by the submitters: PubMed 29655203 (cited by Labcorp Genetics (formerly Invitae), Labcorp).